The following is an entry in ClinVar:

ClinVar aggregate classification (germline): Uncertain significance. Review status: criteria provided, multiple submitters, no conflicts (2 of 4 stars). 2 submissions from 2 submitters: Uncertain significance (2). Last evaluated 2024-12-28.

Conditions:
Hereditary cancer-predisposing syndrome. Also called: Neoplastic Syndromes, Hereditary; Tumor predisposition; Hereditary Cancer Syndrome; Hereditary neoplastic syndrome. Identifiers: Orphanet 140162, MedGen C0027672, MeSH D009386, MONDO:0015356.
Gastrointestinal stromal tumor. Also called: Gastrointestinal stromal tumor, somatic; Gastrointestinal stroma tumor. Identifiers: Orphanet 44890, MedGen C0238198, MeSH D046152, MONDO:0011719, OMIM 606764, HP:0100723.

Submissions (2):

Ambry Genetics
Classification: Uncertain significance for Hereditary cancer-predisposing syndrome. Last evaluated: 2024-12-28. Review status: criteria provided, single submitter. Criteria: Ambry Variant Classification Scheme 2023. Collection method: clinical testing. Allele origin: germline.
Comment: The p.H116Q variant (also known as c.348C>A), located in coding exon 2 of the PDGFRA gene, results from a C to A substitution at nucleotide position 348. The histidine at codon 116 is replaced by glutamine, an amino acid with highly similar properties. This amino acid position is conserved. In addition, this alteration is predicted to be tolerated by in silico analysis. Since supporting evidence is limited at this time, the clinical significance of this alteration remains unclear.

Labcorp Genetics (formerly Invitae), Labcorp
Classification: Uncertain significance for Gastrointestinal stromal tumor. Last evaluated: 2023-01-19. Review status: criteria provided, single submitter. Criteria: Invitae Variant Classification Sherloc (09022015). Collection method: clinical testing. Allele origin: germline.
Comment: Advanced modeling of protein sequence and biophysical properties (such as structural, functional, and spatial information, amino acid conservation, physicochemical variation, residue mobility, and thermodynamic stability) performed at Invitae indicates that this missense variant is not expected to disrupt PDGFRA protein function. ClinVar contains an entry for this variant (Variation ID: 839371). This variant has not been reported in the literature in individuals affected with PDGFRA-related conditions. This variant is not present in population databases (gnomAD no frequency). This sequence change replaces histidine, which is basic and polar, with glutamine, which is neutral and polar, at codon 116 of the PDGFRA protein (p.His116Gln). In summary, the available evidence is currently insufficient to determine the role of this variant in disease. Therefore, it has been classified as a Variant of Uncertain Significance.

NM_006206.6(PDGFRA):c.348C>A (p.His116Gln)

Gene: PDGFRA (platelet derived growth factor receptor alpha; plus strand). Cytogenetic location: 4q12.
Variant type: single nucleotide variant.
Coding change: c.348C>A on transcript NM_006206.6 (MANE Select); coding-DNA position 348, C replaced by A.
Protein change: p.His116Gln; replaces histidine 116 with glutamine.
Molecular consequence: missense variant.
Genome position (GRCh38, 1-based): chr4:54,261,393, C>A. VCF-style: chr4-54261393-C-A. GRCh37 (hg19) VCF-style: chr4-55127560-C-A.
Other names: c.348C>A, p.His116Gln (NM_001347827.2, NM_001347829.2); c.423C>A, p.His141Gln (NM_001347828.2); c.387C>A, p.His129Gln (NM_001347830.2); short protein forms H116Q, H141Q, H129Q.
Identifiers: ClinVar variation 839371 (VCV000839371.13), dbSNP rs1182699578, ClinGen allele CA356889055.